The following is an entry in ClinVar:

NM_172364.5(CACNA2D4):c.2436C>A (p.Ser812Arg)

Gene: CACNA2D4 (calcium voltage-gated channel auxiliary subunit alpha2delta 4; minus strand). Cytogenetic location: 12p13.33.
Variant type: single nucleotide variant.
Coding change: c.2436C>A on transcript NM_172364.5 (MANE Select); coding-DNA position 2436, C replaced by A.
Protein change: p.Ser812Arg; replaces serine 812 with arginine.
Molecular consequence: missense variant.
Genome position (GRCh38, 1-based): chr12:1,844,436, G>T on the plus strand (C>A on the coding strand, the complement: CACNA2D4 is on the minus strand). VCF-style: chr12-1844436-G-T. GRCh37 (hg19) VCF-style: chr12-1953602-G-T.
Other names: short protein forms S812R.
Identifiers: ClinVar variation 2065262 (VCV002065262.4), dbSNP rs747304061, ClinGen allele CA6386702.
Genomic context (GRCh38, chr12:1,844,436, plus strand): 5'-CCCGGGAGCACCGGGCTGTGTGTTACCTGGTCCTTCTGCCCAGCGGAGGTTGAAGACGAA[G>T]CTGCCAGCAGGATGCTCTGAGGCCTGGCGGTACCACAGCGGGAAGCGGTCCAGGGTGAAC-3'
Protein context (NP_758952.4, residues 802-822): YRQASEHPAG[Ser812Arg]FVFNLRWAEG

ClinVar aggregate classification (germline): Uncertain significance (1 of 4 stars; one submission).

Allele frequency attached by ClinVar (database versions not stated): gnomAD exomes below 0.00001; TOPMed 0.00002; ExAC 0.00001; gnomAD 0.00002.
gnomAD v4.1: 4 of 1,613,586 alleles (0.00025%); highest among the groups gnomAD compares: African/African-American, 0.0053%; no homozygotes.

Submission:

Labcorp Genetics (formerly Invitae), Labcorp
Classification: Uncertain significance. Last evaluated: 2022-11-24. Review status: criteria provided, single submitter. Criteria: Invitae Variant Classification Sherloc (09022015). Collection method: clinical testing. Allele origin: germline.
Comment: This sequence change replaces serine, which is neutral and polar, with arginine, which is basic and polar, at codon 812 of the CACNA2D4 protein (p.Ser812Arg). In summary, the available evidence is currently insufficient to determine the role of this variant in disease. Therefore, it has been classified as a Variant of Uncertain Significance. Algorithms developed to predict the effect of missense changes on protein structure and function are either unavailable or do not agree on the potential impact of this missense change (SIFT: "Deleterious"; PolyPhen-2: "Benign"; Align-GVGD: "Class C0"). This variant has not been reported in the literature in individuals affected with CACNA2D4-related conditions. The frequency data for this variant in the population databases is considered unreliable, as metrics indicate poor data quality at this position in the gnomAD database.